The following is an entry in ClinVar:

NM_144997.7(FLCN):c.726A>T (p.Thr242=)

Gene: FLCN (folliculin; minus strand). Cytogenetic location: 17p11.2.
Variant type: single nucleotide variant.
Coding change: c.726A>T on transcript NM_144997.7 (MANE Select); coding-DNA position 726, A replaced by T.
Protein change: p.Thr242=; no amino-acid change (threonine 242 retained).
Molecular consequence: synonymous variant.
Genome position (GRCh38, 1-based): chr17:17,222,554, T>A on the plus strand (A>T on the coding strand, the complement: FLCN is on the minus strand). VCF-style: chr17-17222554-T-A. GRCh37 (hg19) VCF-style: chr17-17125868-T-A.
Other names: p.Thr242=; c.780A>T, p.Thr260= (NM_001353229.2); c.726A>T, p.Thr242= (NM_001353230.2, NM_001353231.2, NM_144606.7).
Identifiers: ClinVar variation 96489 (VCV000096489.53), dbSNP rs113938514, ClinGen allele CA149551.

ClinVar aggregate classification (germline): Benign. Review status: criteria provided, multiple submitters, no conflicts (2 of 4 stars). 21 submissions from 20 submitters: Benign (17). 4 of the submissions do not count toward it. Last evaluated 2026-02-04.

Conditions:
Birt-Hogg-Dube syndrome 1 (BHD1). Also called: FIBROFOLLICULOMAS WITH TRICHODISCOMAS AND ACROCHORDONS. Identifiers: Orphanet 122, MedGen CN375946, MONDO:0800445, OMIM 135150.
Hereditary cancer-predisposing syndrome. Also called: Hereditary Cancer Syndrome; Neoplastic Syndromes, Hereditary; Hereditary neoplastic syndrome; Tumor predisposition. Identifiers: Orphanet 140162, MedGen C0027672, MeSH D009386, MONDO:0015356.
Familial spontaneous pneumothorax (PSP). Identifiers: Orphanet 2903, MedGen C1868193, MONDO:0008259, OMIM 173600.
Birt-Hogg-Dube syndrome. Also called: Birt Hogg Dubé syndrome. Identifiers: Orphanet 122, MedGen C0346010, MONDO:0800444.

Allele frequency attached by ClinVar (database versions not stated): gnomAD exomes 0.01957 and 0.02196; ExAC 0.02018; 1000 Genomes Project 0.02776; gnomAD 0.02846 and 0.02907; TOPMed 0.02946; 1000 Genomes Project 30x 0.03061; ESP Exome Variant Server 0.03329.
gnomAD v4.1: 36,493 of 1,614,218 alleles (2.3%); highest among the groups gnomAD compares: African/African-American, 5.5%; 531 homozygotes.

Submissions (21):

Labcorp Genetics (formerly Invitae), Labcorp
Classification: Benign for Birt-Hogg-Dube syndrome. Last evaluated: 2026-02-04. Review status: criteria provided, single submitter. Criteria: Invitae Variant Classification Sherloc (09022015). Collection method: clinical testing. Allele origin: germline.

ARUP Laboratories, Molecular Genetics and Genomics, ARUP Laboratories
Classification: Benign. Last evaluated: 2025-07-30. Review status: criteria provided, single submitter. Criteria: ARUP Molecular Germline Variant Investigation Process 2024. Collection method: clinical testing. Allele origin: germline.

Quest Diagnostics Nichols Institute San Juan Capistrano
Classification: Benign. Last evaluated: 2025-04-03. Review status: criteria provided, single submitter. Criteria: Quest Diagnostics criteria. Collection method: clinical testing. Allele origin: unknown.

Center for Genomic Medicine, Rigshospitalet, Copenhagen University Hospital
Classification: Benign. Last evaluated: 2025-03-04. Review status: criteria provided, single submitter. Criteria: ACMG Guidelines, 2015. Collection method: clinical testing. Allele origin: germline.

Myriad Genetics, Inc.
Classification: Benign for Birt-Hogg-Dube syndrome 1. Last evaluated: 2024-10-23. Review status: criteria provided, single submitter. Criteria: Myriad Autosomal Dominant, Autosomal Recessive and X-Linked Classification Criteria (2023). Collection method: clinical testing. Allele origin: unknown.
Comment: This variant is considered benign. This variant is a silent/synonymous amino acid change and it is not expected to impact splicing.

KCCC/NGS Laboratory, Kuwait Cancer Control Center
Classification: Benign for Birt-Hogg-Dube syndrome 1. Last evaluated: 2023-07-07. Review status: criteria provided, single submitter. Criteria: ACMG Guidelines, 2015. Collection method: clinical testing. Allele origin: germline. Affected: yes.

Mayo Clinic Laboratories, Mayo Clinic
Classification: Benign. Last evaluated: 2022-04-08. Review status: criteria provided, single submitter. Criteria: ACMG Guidelines, 2015. Collection method: clinical testing. Allele origin: germline. Observed: 44 variant alleles.

Department of Pathology and Laboratory Medicine, Sinai Health System
Classification: Benign for Birt-Hogg-Dube syndrome 1. Last evaluated: 2021-08-03. Review status: criteria provided, single submitter. Criteria: ACMG Guidelines, 2015. Collection method: clinical testing. Allele origin: germline. Affected: yes.

Illumina Laboratory Services, Illumina
Classification: Benign for Birt-Hogg-Dube syndrome 1. Last evaluated: 2018-01-12. Review status: criteria provided, single submitter. Criteria: ICSL Variant Classification Criteria 13 December 2019. Collection method: clinical testing. Allele origin: germline.
Comment: This variant was observed in the ICSL laboratory as part of a predisposition screen in an ostensibly healthy population. It had not been previously curated by ICSL or reported in the Human Gene Mutation Database (HGMD: prior to June 1st, 2018), and was therefore a candidate for classification through an automated scoring system. Utilizing variant allele frequency, disease prevalence and penetrance estimates, and inheritance mode, an automated score was calculated to assess if this variant is too frequent to cause the disease. Based on the score and internal cut-off values, a variant classified as benign is not then subjected to further curation. The score for this variant resulted in a classification of benign for this disease.

Illumina Laboratory Services, Illumina
Classification: Benign for Familial spontaneous pneumothorax. Last evaluated: 2018-01-12. Review status: criteria provided, single submitter. Criteria: ICSL Variant Classification Criteria 13 December 2019. Collection method: clinical testing. Allele origin: germline.
Comment: the same text as in the submission from Illumina Laboratory Services, Illumina above.

Women's Health and Genetics/Laboratory Corporation of America, LabCorp
Classification: Benign. Last evaluated: 2016-05-04. Review status: criteria provided, single submitter. Criteria: LabCorp Variant Classification Summary - May 2015. Collection method: clinical testing. Allele origin: germline.
Comment: Variant summary: The c.726A>T (p.Thr242Thr) variant in FLCN affects a non-conserved nucleotide, resulting in a synonymous change. 5/5 splice-tools in Alamut predict no significant effect on splicing, although these predictions have yet to be confirmed by functional studies. This variant is found in 2446/121198 control chromosomes (42 homozygotes) at a frequency of 0.02018, which greatly exceeds maximal expected frequency of a pathogenic allele (0.0000013), strong evidence that this variant is benign. In addition, multiple reputable clinical laboratories have classified this variant as benign. Taken together, this variant was classified as benign.

GeneDx
Classification: Benign. Last evaluated: 2015-03-03. Review status: criteria provided, single submitter. Criteria: GeneDx Variant Classification Process June 2021. Collection method: clinical testing. Allele origin: germline. Affected: yes.

Ambry Genetics
Classification: Benign for Hereditary cancer-predisposing syndrome. Last evaluated: 2014-06-26. Review status: criteria provided, single submitter. Criteria: Ambry Variant Classification Scheme 2023. Collection method: clinical testing. Allele origin: germline.

Eurofins Ntd Llc (ga)
Classification: Benign. Last evaluated: 2013-04-30. Review status: criteria provided, single submitter. Criteria: EGL Classification Definitions 2015. Collection method: clinical testing. Allele origin: germline. Observed: 7 variant alleles, 7 heterozygotes.

Laboratory for Molecular Medicine, Mass General Brigham Personalized Medicine
Classification: Benign. Last evaluated: 2013-02-21. Review status: criteria provided, single submitter. Criteria: LMM Criteria. Collection method: clinical testing. Allele origin: germline. Observed: 5 variant alleles.
Comment: Thr242Thr in exon 7 of FLCN: This variant is not expected to have clinical signi ficance because it does not alter an amino acid residue and is not located withi n the splice consensus sequence. It has been identified in 5.4% (239/4406) of Af rican American chromosomes from a broad population by the NHLBI Exome Sequencing Project (dbSNP rs113938514).

Breakthrough Genomics
Classification: Benign. Review status: criteria provided, single submitter. Criteria: ACMG Guidelines, 2015. Collection method: not provided. Allele origin: germline. Inheritance: Autosomal dominant inheritance. Affected: yes.

PreventionGenetics, part of Exact Sciences
Classification: Benign. Review status: criteria provided, single submitter. Criteria: ACMG Guidelines, 2015. Collection method: clinical testing. Allele origin: germline.

Genome Diagnostics Laboratory, Amsterdam University Medical Center
Classification: Benign. Review status: no assertion criteria provided. Collection method: clinical testing. Allele origin: germline. Affected: yes. Study: VKGL Data-share Consensus. Not counted in ClinVar's aggregate classification.

Genome Diagnostics Laboratory, University Medical Center Utrecht
Classification: Benign. Review status: no assertion criteria provided. Collection method: clinical testing. Allele origin: germline. Affected: yes. Study: VKGL Data-share Consensus. Not counted in ClinVar's aggregate classification.

Joint Genome Diagnostic Labs from Nijmegen and Maastricht, Radboudumc and MUMC+
Classification: Benign. Review status: no assertion criteria provided. Collection method: clinical testing. Allele origin: germline. Affected: yes. Study: VKGL Data-share Consensus. Not counted in ClinVar's aggregate classification.

Laboratory of Diagnostic Genome Analysis, Leiden University Medical Center (LUMC)
Classification: Benign. Review status: no assertion criteria provided. Collection method: clinical testing. Allele origin: germline. Affected: yes. Study: VKGL Data-share Consensus. Not counted in ClinVar's aggregate classification.